The following is an entry in ClinVar:

NM_000540.3(RYR1):c.3200G>A (p.Arg1067His)

Gene: RYR1 (ryanodine receptor 1; plus strand). Cytogenetic location: 19q13.2.
Variant type: single nucleotide variant.
Coding change: c.3200G>A on transcript NM_000540.3 (MANE Select); coding-DNA position 3200, G replaced by A.
Protein change: p.Arg1067His; replaces arginine 1067 with histidine.
Molecular consequence: missense variant.
Genome position (GRCh38, 1-based): chr19:38,467,631, G>A. VCF-style: chr19-38467631-G-A. GRCh37 (hg19) VCF-style: chr19-38958271-G-A.
Other names: c.3200G>A, p.Arg1067His (NM_001042723.2); short protein forms R1067H.
Identifiers: ClinVar variation 569965 (VCV000569965.13), dbSNP rs377381782, ClinGen allele CA064524.

ClinVar aggregate classification (germline): Uncertain significance. Review status: criteria provided, multiple submitters, no conflicts (2 of 4 stars). 3 submissions from 3 submitters: Uncertain significance (3). Last evaluated 2025-06-30.

Conditions:
Central core myopathy (CMYO1A). Also called: Central core disease; Myopathy, central fibrillar; CONGENITAL MYOPATHY 1A, AUTOSOMAL DOMINANT, WITH SUSCEPTIBILITY TO MALIGNANT HYPERTHERMIA. Identifiers: Orphanet 597, MedGen C5830701, MONDO:0007294, OMIM 117000.
King Denborough syndrome (KDS). Identifiers: MedGen C1840365, MONDO:0020485, OMIM 619542.
Malignant hyperthermia, susceptibility to, 1 (MHS1). Also called: RYR1-Related Malignant Hyperthermia Susceptibility; Malignant hyperthermia suceptibility 1; Anesthesia related hyperthermia; Malignant hyperpyrexia; Fulminating hyperpyrexia; Pharmacogenic myopathy. Identifiers: Orphanet 423, MedGen C2930980, MONDO:0007783, OMIM 145600.
Congenital multicore myopathy with external ophthalmoplegia (CMYO1B). Also called: Minicore myopathy with external ophthalmoplegia; MULTIMINICORE DISEASE WITH EXTERNAL OPHTHALMOPLEGIA; Congenital myopathy 1B, autosomal recessive; Minicore myopathy; MULTICORE MYOPATHY. Identifiers: Orphanet 598, Orphanet 98905, MedGen C1850674, MONDO:0009712, OMIM 255320, HP:0003789.
RYR1-related disorder. Also called: RYR1-related disorders; RYR1-related condition. Identifiers: MedGen CN239331.

Allele frequency attached by ClinVar (database versions not stated): gnomAD 0.00001; ExAC 0.00002; gnomAD exomes 0.00002; TOPMed 0.00003; ESP Exome Variant Server 0.00008.
gnomAD v4.1: 29 of 1,614,040 alleles (0.0018%); highest among the groups gnomAD compares: South Asian, 0.0022%; no homozygotes.

Submissions (3):

Color Diagnostics, LLC DBA Color Health
Classification: Uncertain significance for Malignant hyperthermia, susceptibility to, 1. Last evaluated: 2025-06-30. Review status: criteria provided, single submitter. Criteria: ACMG Guidelines, 2015. Collection method: clinical testing. Allele origin: germline.
Comment: This missense variant replaces arginine with histidine at codon 1067 of the RYR1 protein. Computational prediction is inconclusive regarding the impact of this variant on protein structure and function. To our knowledge, functional studies have not been reported for this variant. This variant has not been reported in individuals affected with RYR1-related disorders in the literature. This variant has been identified in 5/282874 chromosomes in the general population by the Genome Aggregation Database (gnomAD). The available evidence is insufficient to determine the role of this variant in disease conclusively. Therefore, this variant is classified as a Variant of Uncertain Significance.

Labcorp Genetics (formerly Invitae), Labcorp
Classification: Uncertain significance for RYR1-related disorder. Last evaluated: 2022-10-11. Review status: criteria provided, single submitter. Criteria: Invitae Variant Classification Sherloc (09022015). Collection method: clinical testing. Allele origin: germline.
Comment: This sequence change replaces arginine, which is basic and polar, with histidine, which is basic and polar, at codon 1067 of the RYR1 protein (p.Arg1067His). This variant is present in population databases (rs377381782, gnomAD 0.004%). This variant has not been reported in the literature in individuals affected with RYR1-related conditions. ClinVar contains an entry for this variant (Variation ID: 569965). Advanced modeling of protein sequence and biophysical properties (such as structural, functional, and spatial information, amino acid conservation, physicochemical variation, residue mobility, and thermodynamic stability) performed at Invitae indicates that this missense variant is not expected to disrupt RYR1 protein function. In summary, the available evidence is currently insufficient to determine the role of this variant in disease. Therefore, it has been classified as a Variant of Uncertain Significance.

Revvity Omics, Revvity
Classification: Uncertain significance. Last evaluated: 2019-08-08. Review status: criteria provided, single submitter. Criteria: ACMG Guidelines, 2015. Collection method: clinical testing. Allele origin: germline.